The following is an entry in ClinVar:

NM_001365276.2(TNXB):c.5017G>C (p.Ala1673Pro)

Gene: TNXB (tenascin XB; minus strand). Cytogenetic location: 6p21.33.
Variant type: single nucleotide variant.
Coding change: c.5017G>C on transcript NM_001365276.2 (MANE Select); coding-DNA position 5017, G replaced by C.
Protein change: p.Ala1673Pro; replaces alanine 1673 with proline.
Molecular consequence: missense variant.
Genome position (GRCh38, 1-based): chr6:32,070,388, C>G on the plus strand (G>C on the coding strand, the complement: TNXB is on the minus strand). VCF-style: chr6-32070388-C-G. GRCh37 (hg19) VCF-style: chr6-32038165-C-G.
Other names: c.5017G>C, p.Ala1673Pro (NM_019105.8); short protein forms A1673P.
Identifiers: ClinVar variation 1312039 (VCV001312039.2), dbSNP rs1402453701, ClinGen allele CA363416514.

ClinVar aggregate classification (germline): Uncertain significance (1 of 4 stars; one submission).

Submission:

GeneDx
Classification: Uncertain significance. Last evaluated: 2020-01-15. Review status: criteria provided, single submitter. Criteria: GeneDx Variant Classification Process June 2021. Collection method: clinical testing. Allele origin: germline. Affected: yes.
Comment: Has not been previously published as pathogenic or benign to our knowledge; Not observed in large population cohorts (Lek et al., 2016); In silico analysis, which includes protein predictors and evolutionary conservation, supports a deleterious effect